The following is an entry in ClinVar:

ClinVar aggregate classification (germline): Uncertain significance (1 of 4 stars; one submission).

Submission:

GeneDx
Classification: Uncertain significance. Last evaluated: 2025-02-18. Review status: criteria provided, single submitter. Criteria: GeneDx Variant Classification Process June 2021. Collection method: clinical testing. Allele origin: germline. Affected: yes.
Comment: Not observed at significant frequency in large population cohorts (gnomAD); In-frame deletion of 1 amino acid(s) in a non-repeat region; In silico analysis supports a deleterious effect on protein structure/function; Has not been previously published as pathogenic or benign to our knowledge

NM_197968.4(ZMYM2):c.2882_2884del (p.Glu961del)

Gene: ZMYM2 (zinc finger MYM-type containing 2; plus strand). Cytogenetic location: 13q12.11.
Variant type: Deletion.
Coding change: c.2882_2884del on transcript NM_197968.4 (MANE Select); coding-DNA positions 2882 to 2884, 3 bases deleted (AGG; older notation c.2882_2884delAGG).
Protein change: p.Glu961del; deletes glutamic acid 961.
Molecular consequence: inframe deletion. On other transcripts: non-coding transcript variant (1).
Genome position (GRCh38, 1-based): chr13:20,061,195-20,061,197, AGG deleted; deleting any 3 consecutive bases within chr13:20,061,194-20,061,197 gives the same sequence; the c. name uses the placement nearest the transcript's 3' end. VCF-style (leftmost placement, unchanged base first): chr13-20061193-CGAG-C. GRCh37 (hg19) VCF-style: chr13-20635333-CGAG-C.
Other names: c.2882_2884del, p.Glu961del (NM_001190964.4, NM_001190965.4, NM_001353157.2 and 5 more transcripts); c.2687_2689del, p.Glu896del (NM_001353161.3); c.2621_2623del, p.Glu874del (NM_001353163.2); short protein forms E874del, E896del, E961del.
Identifiers: ClinVar variation 4075693 (VCV004075693.1).